The following is an entry in ClinVar:

ClinVar aggregate classification (germline): Uncertain significance (1 of 4 stars; one submission).

Submission:

Labcorp Genetics (formerly Invitae), Labcorp
Classification: Uncertain significance. Last evaluated: 2026-01-11. Review status: criteria provided, single submitter. Criteria: Invitae Variant Classification Sherloc (09022015). Collection method: clinical testing. Allele origin: germline.
Comment: This sequence change replaces glycine, which is neutral and non-polar, with valine, which is neutral and non-polar, at codon 40 of the MNX1 protein (p.Gly40Val). This variant is not present in population databases (gnomAD no frequency). This variant has not been reported in the literature in individuals affected with MNX1-related conditions. Experimental studies and prediction algorithms are not available or were not evaluated, and the functional significance of this variant is currently unknown. In summary, the available evidence is currently insufficient to determine the role of this variant in disease. Therefore, it has been classified as a Variant of Uncertain Significance.

NM_005515.4(MNX1):c.119G>T (p.Gly40Val)

Gene: MNX1 (motor neuron and pancreas homeobox 1; minus strand). Cytogenetic location: 7q36.3.
Variant type: single nucleotide variant.
Coding change: c.119G>T on transcript NM_005515.4 (MANE Select); coding-DNA position 119, G replaced by T.
Protein change: p.Gly40Val; replaces glycine 40 with valine.
Molecular consequence: missense variant.
Genome position (GRCh38, 1-based): chr7:157,010,232, C>A on the plus strand (G>T on the coding strand, the complement: MNX1 is on the minus strand). VCF-style: chr7-157010232-C-A. GRCh37 (hg19) VCF-style: chr7-156802926-C-A.
Other names: short protein forms G40V.
Identifiers: ClinVar variation 4805169 (VCV004805169.1).
Genomic context (GRCh38, chr7:157,010,232, plus strand): 5'-GGGCTGCAGCTGCCGCTAGTCCCGCCGCTCGCCCCGCCGCCGCCGCCGCCACCTCCGGTG[C>A]CAGATGCGGCGGCGGCGAGCGACGTGACCAAGGCCAGCGGCGCGCTCTGCGCAGAGGCGG-3'
Protein context (NP_005506.3, residues 30-50): LVTSLAAAAS[Gly40Val]TGGGGGGGGA